The following is an entry in ClinVar:

ClinVar aggregate classification (germline): Uncertain significance. Review status: criteria provided, multiple submitters, no conflicts (2 of 4 stars). 2 submissions from 2 submitters: Uncertain significance (2). Last evaluated 2026-06-02.

Conditions:
Hereditary cancer-predisposing syndrome. Also called: Tumor predisposition; Hereditary neoplastic syndrome; Neoplastic Syndromes, Hereditary; Hereditary Cancer Syndrome. Identifiers: Orphanet 140162, MedGen C0027672, MeSH D009386, MONDO:0015356.

Submissions (2):

Ambry Genetics
Classification: Uncertain significance for Hereditary cancer-predisposing syndrome. Last evaluated: 2026-06-02. Review status: criteria provided, single submitter. Criteria: Ambry Variant Classification Scheme 2023. Collection method: clinical testing. Allele origin: germline.
Comment: The p.L1668V variant (also known as c.5002C>G), located in coding exon 32 of the ATM gene, results from a C to G substitution at nucleotide position 5002. The leucine at codon 1668 is replaced by valine, an amino acid with highly similar properties. This amino acid position is highly conserved in available vertebrate species. In addition, the in silico prediction for this alteration is inconclusive. Based on the available evidence, the clinical significance of this variant remains unclear.

Color Diagnostics, LLC DBA Color Health
Classification: Uncertain significance for Hereditary cancer-predisposing syndrome. Last evaluated: 2019-06-22. Review status: criteria provided, single submitter. Criteria: ACMG Guidelines, 2015. Collection method: clinical testing. Allele origin: germline.

NM_000051.4(ATM):c.5002C>G (p.Leu1668Val)

Gene: ATM (ATM serine/threonine kinase; plus strand). Cytogenetic location: 11q22.3.
Variant type: single nucleotide variant.
Coding change: c.5002C>G on transcript NM_000051.4 (MANE Select); coding-DNA position 5002, C replaced by G.
Protein change: p.Leu1668Val; replaces leucine 1668 with valine.
Molecular consequence: missense variant.
Genome position (GRCh38, 1-based): chr11:108,297,379, C>G. VCF-style: chr11-108297379-C-G. GRCh37 (hg19) VCF-style: chr11-108168106-C-G.
Other names: c.5002C>G, p.Leu1668Val (NM_001351834.2); short protein forms L1668V.
Identifiers: ClinVar variation 490597 (VCV000490597.5), dbSNP rs747317946, ClinGen allele CA382538586.
Genomic context (GRCh38, chr11:108,297,379, plus strand): 5'-GTTGTCAATTTGTTGCAGTTATCCAAGATGGCAATAAACCACACTGGTGAAAAAGAAGTT[C>G]TAGGTAAACTACAGTCATGCGCTGCGTGACATTTCAGTCAACTGCGGATCACATATAGGA-3'
Protein context (NP_000042.3, residues 1658-1678): AINHTGEKEV[Leu1668Val]EAVGSCLGEV